The following is an entry in ClinVar:

ClinVar aggregate classification (germline): Uncertain significance (1 of 4 stars; one submission).

Conditions:
Megalencephaly-polymicrogyria-polydactyly-hydrocephalus syndrome 3 (MPPH3). Identifiers: Orphanet 83473, MedGen C4014742, MONDO:0014408, OMIM 615938.

Submission:

Dasa
Classification: Uncertain significance for Megalencephaly-polymicrogyria-polydactyly-hydrocephalus syndrome 3. Last evaluated: 2025-12-19. Review status: criteria provided, single submitter. Criteria: DASA Assertion Criteria. Collection method: clinical testing. Allele origin: germline.
Comment: NM_001759.4(CCND2):c.71A>G (p.Asp24Gly) is a missense variant that results in the substitution of aspartic acid with glycine. This variant is rare in population databases. The currently available literature and clinical evidence are not sufficient to establish a definitive association between this variant and the reported condition. Therefore, this variant is classified as a variant of uncertain significance.

NM_001759.4(CCND2):c.71A>G (p.Asp24Gly)

Genes: CCND2 (cyclin D2; plus strand), CCND2-AS1 (CCND2 antisense RNA 1; minus strand). Cytogenetic location: 12p13.32.
Variant type: single nucleotide variant.
Coding change: c.71A>G on transcript NM_001759.4 (MANE Select); coding-DNA position 71, A replaced by G.
Protein change: p.Asp24Gly; replaces aspartic acid 24 with glycine.
Molecular consequence: missense variant.
Genome position (GRCh38, 1-based): chr12:4,274,111, A>G. VCF-style: chr12-4274111-A-G. GRCh37 (hg19) VCF-style: chr12-4383277-A-G.
Other names: short protein forms D24G.
Identifiers: ClinVar variation 4882720 (VCV004882720.2).